The following is an entry in ClinVar:

NM_000069.3(CACNA1S):c.4879C>T (p.Pro1627Ser)

Gene: CACNA1S (calcium voltage-gated channel subunit alpha1 S; minus strand). Cytogenetic location: 1q32.1.
Variant type: single nucleotide variant.
Coding change: c.4879C>T on transcript NM_000069.3 (MANE Select); coding-DNA position 4879, C replaced by T.
Protein change: p.Pro1627Ser; replaces proline 1627 with serine.
Molecular consequence: missense variant.
Genome position (GRCh38, 1-based): chr1:201,043,450, G>A on the plus strand (C>T on the coding strand, the complement: CACNA1S is on the minus strand). VCF-style: chr1-201043450-G-A. GRCh37 (hg19) VCF-style: chr1-201012578-G-A.
Other names: short protein forms P1627S.
Identifiers: ClinVar variation 3071511 (VCV003071511.1), dbSNP rs2464411330, ClinGen allele CA344137129.

ClinVar aggregate classification (germline): Uncertain significance (1 of 4 stars; one submission).

Conditions:
Malignant hyperthermia, susceptibility to, 5 (MHS5). Also called: CACNA1S-Related Malignant Hyperthermia Susceptibility. Identifiers: Orphanet 423, MedGen C1866077, MONDO:0011163, OMIM 601887.

Submission:

All of Us Research Program, National Institutes of Health
Classification: Uncertain significance for Malignant hyperthermia, susceptibility to, 5. Last evaluated: 2023-06-08. Review status: criteria provided, single submitter. Criteria: ACMG Guidelines, 2015. Collection method: clinical testing. Allele origin: germline. Inheritance: Autosomal dominant inheritance. Observed: 1 variant allele, 1 heterozygote.
Comment: This missense variant replaces proline with serine at codon 1627 of the CACNA1S protein. Computational prediction is inconclusive regarding the impact of this variant on protein structure and function (internally defined REVEL score threshold 0.5 < inconclusive < 0.7, PMID: 27666373). To our knowledge, functional studies have not been reported for this variant. This variant has not been reported in individuals affected with CACNA1S-related disorders in the literature. This variant has not been identified in the general population by the Genome Aggregation Database (gnomAD). The available evidence is insufficient to determine the role of this variant in disease conclusively. Therefore, this variant is classified as a Variant of Uncertain Significance.

This study involves interpretation of variants in research participants for the purpose of population health screening. Participant phenotype was not available at the time of variant classification. Additional details can be found in publication PMID: 35346344, PMCID: PMC8962531